The following is an entry in ClinVar:

ClinVar aggregate classification (germline): Uncertain significance. Review status: criteria provided, multiple submitters, no conflicts (2 of 4 stars). 2 submissions from 2 submitters: Uncertain significance (2). Last evaluated 2025-12-02.

Conditions:
Inborn genetic diseases. Identifiers: MedGen C0950123, MeSH D030342.

Allele frequency attached by ClinVar (database versions not stated): ExAC 0.00002; gnomAD 0.00001; TOPMed 0.00001; gnomAD exomes 0.00002.
gnomAD v4.1: 24 of 1,612,840 alleles (0.0015%); highest among the groups gnomAD compares: African/African-American, 0.004%; no homozygotes.

Submissions (2):

Ambry Genetics
Classification: Uncertain significance for Inborn genetic diseases. Last evaluated: 2025-12-02. Review status: criteria provided, single submitter. Criteria: Ambry Variant Classification Scheme 2023. Collection method: clinical testing. Allele origin: germline.

GeneDx
Classification: Uncertain significance. Last evaluated: 2022-11-10. Review status: criteria provided, single submitter. Criteria: GeneDx Variant Classification Process June 2021. Collection method: clinical testing. Allele origin: germline. Affected: yes.
Comment: In silico analysis supports that this missense variant has a deleterious effect on protein structure/function; Has not been previously published as pathogenic or benign to our knowledge

NM_001378609.3(OTOGL):c.1930G>A (p.Ala644Thr)

Gene: OTOGL (otogelin like; plus strand). Cytogenetic location: 12q21.31.
Variant type: single nucleotide variant.
Coding change: c.1930G>A on transcript NM_001378609.3 (MANE Select); coding-DNA position 1930, G replaced by A.
Protein change: p.Ala644Thr; replaces alanine 644 with threonine.
Molecular consequence: missense variant.
Genome position (GRCh38, 1-based): chr12:80,262,009, G>A. VCF-style: chr12-80262009-G-A. GRCh37 (hg19) VCF-style: chr12-80655789-G-A.
Other names: c.1930G>A, p.Ala644Thr (NM_001368062.3, NM_001378610.3, NM_173591.7); short protein forms A644T.
Identifiers: ClinVar variation 2501869 (VCV002501869.4), dbSNP rs777164325, ClinGen allele CA6700621.